The following is an entry in ClinVar:

Conditions:
Breast-ovarian cancer, familial, susceptibility to, 1 (BROVCA1). Also called: BRCA1 Hereditary Breast and Ovarian Cancer; OVARIAN CANCER, SUSCEPTIBILITY TO. Identifiers: Orphanet 145, MedGen C2676676, MONDO:0011450, OMIM 604370. Disease mechanism: loss of function.

Submission:

Brotman Baty Institute, University of Washington
No classification provided (evidence only). Condition: Breast-ovarian cancer, familial 1. Review status: no classification provided. Collection method: in vitro. Allele origin: not applicable. Functional consequence: functionally_normal.
ClinVar note: "not provided" was previously submitted as the classification for the variant. However, the classification appeared to be based only on an observation of functional data so it was converted to no classification on 2025-07-30.

NM_007294.4(BRCA1):c.5321A>C (p.Asn1774Thr)

Gene: BRCA1 (BRCA1 DNA repair associated; minus strand). Cytogenetic location: 17q21.31.
Variant type: single nucleotide variant.
Coding change: c.5321A>C on transcript NM_007294.4 (MANE Select); coding-DNA position 5321, A replaced by C.
Protein change: p.Asn1774Thr; replaces asparagine 1774 with threonine.
Molecular consequence: missense variant. On other transcripts: non-coding transcript variant (1).
Genome position (GRCh38, 1-based): chr17:43,051,074, T>G on the plus strand (A>C on the coding strand, the complement: BRCA1 is on the minus strand). VCF-style: chr17-43051074-T-G. GRCh37 (hg19) VCF-style: chr17-41203091-T-G.
Other names: c.5318A>C, p.Asn1773Thr (NM_001407858.1, NM_001407859.1, NM_001407860.1 and 17 more transcripts); c.5111A>C, p.Asn1704Thr (NM_001407886.1, NM_001407887.1, NM_001407889.1 and 5 more transcripts); c.5108A>C, p.Asn1703Thr (NM_001407894.1, NM_001407895.1, NM_001407896.1 and 12 more transcripts); c.5105A>C, p.Asn1702Thr (NM_001407917.1, NM_001407918.1, NM_001407915.1 and 1 more transcripts); c.5057A>C, p.Asn1686Thr (NM_001407920.1, NM_001407921.1, NM_001407922.1 and 4 more transcripts); c.5198A>C, p.Asn1733Thr (NM_001407937.1, NM_001407938.1, NM_001407664.1 and 5 more transcripts); c.5195A>C, p.Asn1732Thr (NM_001407939.1, NM_001407940.1, NM_001407679.1 and 10 more transcripts); c.5192A>C, p.Asn1731Thr (NM_001407941.1, NM_001407681.1, NM_001407682.1 and 6 more transcripts); and 72 more; short protein forms N1795T, N670T, N1727T, N1774T, N1661T, N1686T, N1733T, N1754T.
Identifiers: ClinVar variation 867993 (VCV000867993.3), dbSNP rs587781770, ClinGen allele CA10590910.